The following is an entry in ClinVar:

ClinVar aggregate classification (germline): Likely benign. Review status: criteria provided, multiple submitters, no conflicts (2 of 4 stars). 2 submissions from 2 submitters: Likely benign (2). Last evaluated 2026-03-22.

Conditions:
ITGB4-related disorder. Also called: ITGB4-related condition.

Allele frequency attached by ClinVar (database versions not stated): ExAC 0.00002; gnomAD 0.00003; TOPMed 0.00003; gnomAD exomes 0.00009.
gnomAD v4.1: 126 of 1,613,540 alleles (0.0078%); highest among the groups gnomAD compares: East Asian, 0.1%; no homozygotes.

Submissions (2):

PreventionGenetics, part of Exact Sciences
Classification: Likely benign for ITGB4-related condition. Last evaluated: 2026-03-22. Review status: criteria provided, single submitter. Criteria: ACMG Guidelines, 2015. Collection method: clinical testing. Allele origin: germline.
Comment: This variant is classified as likely benign based on ACMG/AMP sequence variant interpretation guidelines (Richards et al. 2015 PMID: 25741868, with internal and published modifications).

Labcorp Genetics (formerly Invitae), Labcorp
Classification: Likely benign. Last evaluated: 2024-03-12. Review status: criteria provided, single submitter. Criteria: Invitae Variant Classification Sherloc (09022015). Collection method: clinical testing. Allele origin: germline.

NM_000213.5(ITGB4):c.336C>T (p.Pro112=)

Gene: ITGB4 (integrin subunit beta 4; plus strand). Cytogenetic location: 17q25.1.
Variant type: single nucleotide variant.
Coding change: c.336C>T on transcript NM_000213.5 (MANE Select); coding-DNA position 336, C replaced by T.
Protein change: p.Pro112=; no amino-acid change (proline 112 retained).
Molecular consequence: synonymous variant.
Genome position (GRCh38, 1-based): chr17:75,727,722, C>T. VCF-style: chr17-75727722-C-T. GRCh37 (hg19) VCF-style: chr17-73723803-C-T.
Other names: c.336C>T, p.Pro112= (NM_001005619.2, NM_001005731.3, NM_001321123.2); c.336C>T (NM_000213.4).
Identifiers: ClinVar variation 2190424 (VCV002190424.5), dbSNP rs769872605, ClinGen allele CA8768646.